The following is an entry in ClinVar:

NM_001377530.1(DMBT1):c.1911T>C (p.Asn637=)

Gene: DMBT1 (deleted in malignant brain tumors 1; plus strand). Cytogenetic location: 10q26.13.
Variant type: single nucleotide variant.
Coding change: c.1911T>C on transcript NM_001377530.1 (MANE Select); coding-DNA position 1911, T replaced by C.
Protein change: p.Asn637=; no amino-acid change (asparagine 637 retained).
Molecular consequence: synonymous variant. On other transcripts: intron variant (1).
Genome position (GRCh38, 1-based): chr10:122,589,071, T>C. VCF-style: chr10-122589071-T-C. GRCh37 (hg19) VCF-style: chr10-124348587-T-C.
Other names: c.1911T>C, p.Asn637= (NM_001320644.2, NM_007329.3); c.1881T>C, p.Asn627= (NM_017579.3); c.1420+4720T>C (NM_004406.3).
Identifiers: ClinVar variation 2640923 (VCV002640923.24), dbSNP rs766724935, ClinGen allele CA5726963.

ClinVar aggregate classification (germline): Likely benign (1 of 4 stars; one submission).

Allele frequency attached by ClinVar (database versions not stated): gnomAD exomes below 0.00001; ExAC 0.00001.
gnomAD v4.1: 3 of 1,588,726 alleles (0.00019%); highest among the groups gnomAD compares: South Asian, 0.0012%; no homozygotes.

Submission:

CeGaT Center for Human Genetics Tuebingen
Classification: Likely benign. Last evaluated: 2026-05-01. Review status: criteria provided, single submitter. Criteria: CeGaT Center For Human Genetics Tuebingen Variant Classification Criteria Version 2. Collection method: clinical testing. Allele origin: germline. Affected: yes. Observed: 2 variant alleles.
Comment: DMBT1: BP4, BP7